The following is an entry in ClinVar:

NM_000277.3(PAH):c.143T>C (p.Leu48Ser)

Gene: PAH (phenylalanine hydroxylase; minus strand). Cytogenetic location: 12q23.2.
Variant type: single nucleotide variant.
Coding change: c.143T>C on transcript NM_000277.3 (MANE Select); coding-DNA position 143, T replaced by C.
Protein change: p.Leu48Ser; replaces leucine 48 with serine.
Molecular consequence: missense variant.
Genome position (GRCh38, 1-based): chr12:102,912,816, A>G on the plus strand (T>C on the coding strand, the complement: PAH is on the minus strand). VCF-style: chr12-102912816-A-G. GRCh37 (hg19) VCF-style: chr12-103306594-A-G.
Other names: p.L48S:TTG>TCG; c.143T>C (NM_000277.2); c.143T>C, p.Leu48Ser (NM_001354304.2); short protein forms L48S.
Identifiers: ClinVar variation 608 (VCV000000608.141), dbSNP rs5030841, ClinGen allele CA251539.

ClinVar aggregate classification (germline): Pathogenic. Review status: reviewed by expert panel (3 of 4 stars). 25 submissions from 25 submitters: Pathogenic (1). 24 of the submissions do not count toward it. Last evaluated 2019-04-08.

Conditions:
PAH-related disorder. Also called: PAH-related condition.
Inborn genetic diseases. Identifiers: MedGen C0950123, MeSH D030342.
Phenylketonuria (PKU). Also called: FOLLING DISEASE; OLIGOPHRENIA PHENYLPYRUVICA; Phenylketonurias; Phenylketonuria (PKU). Identifiers: Orphanet 716, MedGen C0031485, MONDO:0009861, OMIM 261600. Disease mechanism: loss of function.

Allele frequency attached by ClinVar (database versions not stated): ExAC 0.00008; gnomAD exomes 0.00012 and 0.00008; gnomAD 0.00020; TOPMed 0.00018.
gnomAD v4.1: 142 of 1,613,302 alleles (0.0088%); highest among the groups gnomAD compares: Middle Eastern, 0.049%; no homozygotes.

Submissions 1 to 11 of 25:

ClinGen PAH Variant Curation Expert Panel
Classification: Pathogenic for Phenylketonuria. Last evaluated: 2019-04-08. Review status: reviewed by expert panel. Criteria: ClinGen PAH ACMG Specifications v1. Collection method: curation. Allele origin: germline. Inheritance: Autosomal recessive inheritance.
Comment: The c.143T>C (p.Leu48Ser) variant in PAH has been reported multiple individuals with mild and classic PKU (BH4 deficiency excluded). (PP4_Moderate; PMID: 26322415, 16879198, 1679030). This variant has a frequency that is higher than the suggested cutoff for PM2 by the PAH VCEP (MAF=0.00026). This variant has 39% residual activity (PS3, PMID: 17935162). This variant was detected in trans with p.G247R (LP, 2 submitters) PM3, PMID: 26322415). Computational prediction tools and conservation analysis suggest that this variant may impact the protein (PP3). Cosegregation with PKU in 2 siblings for 2 unrelated families was reported ( PMID: 23430547). In summary, this variant meets criteria to be classified as pathogenic for PAH. PAH-specific ACMG/AMP criteria applied: PP4_Moderate, PS3, PM3, PP1, PP3.

CeGaT Center for Human Genetics Tuebingen
Classification: Pathogenic. Last evaluated: 2026-09-01. Review status: criteria provided, single submitter. Criteria: CeGaT Center For Human Genetics Tuebingen Variant Classification Criteria Version 2. Collection method: clinical testing. Allele origin: germline. Affected: yes. Observed: 10 variant alleles. Not counted in ClinVar's aggregate classification.
Comment: PAH: PM3:Very Strong, PM2, PP4:Moderate, PS3:Supporting

Labcorp Genetics (formerly Invitae), Labcorp
Classification: Pathogenic for Phenylketonuria. Last evaluated: 2026-01-28. Review status: criteria provided, single submitter. Criteria: Invitae Variant Classification Sherloc (09022015). Collection method: clinical testing. Allele origin: germline. Not counted in ClinVar's aggregate classification.
Comment: This sequence change replaces leucine, which is neutral and non-polar, with serine, which is neutral and polar, at codon 48 of the PAH protein (p.Leu48Ser). This variant is present in population databases (rs5030841, gnomAD 0.03%). This missense change has been observed in individuals with classical and variant phenylketonuria (PKU) (PMID: 1679030, 9399896, 23430547, 23500595). ClinVar contains an entry for this variant (Variation ID: 608). Invitae Evidence Modeling of protein sequence and biophysical properties (such as structural, functional, and spatial information, amino acid conservation, physicochemical variation, residue mobility, and thermodynamic stability) indicates that this missense variant is expected to disrupt PAH protein function with a positive predictive value of 80%. Experimental studies have shown that this missense change affects PAH function (PMID: 11461190, 23500595, 25596310). For these reasons, this variant has been classified as Pathogenic.

Victorian Clinical Genetics Services, Murdoch Childrens Research Institute
Classification: Pathogenic for Phenylketonuria. Last evaluated: 2026-01-27. Review status: criteria provided, single submitter. Criteria: ACMG Guidelines, 2015. Collection method: clinical testing. Allele origin: germline. Not counted in ClinVar's aggregate classification.
Comment: This variant is classified as Pathogenic. Evidence in support of pathogenic classification: Variant is present in gnomAD <0.01 for a recessive condition (v4: 142 heterozygote(s), 0 homozygote(s); This variant has strong previous evidence of pathogenicity in unrelated individuals. This variant has been classified as pathogenic by the ClinGen PAH Variant Curation Expert Panel (ClinVar). Additional information: Variant is predicted to result in a missense amino acid change from Leu to Ser; This variant is heterozygous; This gene is associated with autosomal recessive disease; Loss of function is a known mechanism of disease in this gene and is associated with phenylketonuria (MIM#261600).

Ambry Genetics
Classification: Pathogenic for Inborn genetic diseases. Last evaluated: 2025-12-22. Review status: criteria provided, single submitter. Criteria: Ambry Variant Classification Scheme 2023. Collection method: clinical testing. Allele origin: germline. Not counted in ClinVar's aggregate classification.
Comment: The c.143T>C (p.L48S) alteration is located in exon 2 (coding exon 2) of the PAH gene. This alteration results from a T to C substitution at nucleotide position 143, causing the leucine (L) at amino acid position 48 to be replaced by a serine (S). Based on data from the Genome Aggregation Database (gnomAD), the PAH c.143T>C alteration was observed in 0.012% (34/282,822) of total alleles studied, with a frequency of 0.025% (9/35,440) in the Latino subpopulation. This variant has been identified in the homozygous state and/or in conjunction with other PAH variant(s) in individual(s) with features consistent with phenylalanine hydroxylase deficiency (Konecki, 1991; Couce, 2013; Djordjevic, 2013; Gundorova, 2019; Su, 2019). This amino acid position is highly conserved in available vertebrate species. Functional analysis of the p.L48S alteration, either homozygous or compound heterozygous with another PAH mutation, found that it is associated with reduced enzyme activity compared to wildtype (Waters, 2001; Danecka, 2015; Shen, 2016). The p.L48S alteration is predicted to be deleterious by in silico analysis. Based on the available evidence, this alteration is classified as pathogenic.

GeneDx
Classification: Pathogenic. Last evaluated: 2025-10-13. Review status: criteria provided, single submitter. Criteria: GeneDx Variant Classification Process June 2021. Collection method: clinical testing. Allele origin: germline. Affected: yes. Not counted in ClinVar's aggregate classification.
Comment: Functional studies demonstrate p.(L48S) is associated with significantly reduced enzyme activity compared to wildtype (PMID: 25596310, 26803807); In silico analysis supports that this missense variant has a deleterious effect on protein structure/function; This variant is associated with the following publications: (PMID: 21953985, 25525159, 1679030, 30963030, 39039323, 34900593, 23500595, 25087612, 11461190, 17935162, 23559577, 22975760, 23430547, 26803807, 9323556, 28676969, 9399896, 31355225, 26322415, 16879198, 34426522, 31589614, 33101986, 8592329, 32778825, 33465300, 36537053, 36646061, 36672771, 35405047, 25596310, 37189584, 40293582, 38203665, 20217238, 38958063)

Variantyx, Inc.
Classification: Pathogenic for Phenylketonuria. Last evaluated: 2025-10-01. Review status: criteria provided, single submitter. Criteria: Variantyx Assertion Criteria 2022. Collection method: clinical testing. Allele origin: germline. Inheritance: Autosomal recessive inheritance. Affected: yes. Not counted in ClinVar's aggregate classification.
Comment: This is a nonsynonymous variant in the PAH gene (OMIM: 612349). Pathogenic variants in this gene have been associated with autosomal recessive phenylketonuria. This variant has been identified in the homozygous or compound heterozygous state in many individuals reported in the published literature (PMID: 23430547, 20217238) (PM3_Strong). Functional studies have shown that this variant alters PAH protein function (PMID: 17935162, 21953985) (PS3_Moderate) and multiple computational algorithms predict a deleterious effect for this variant (REVEL score: 0.97) (PP3_Strong). This variant lies within a known hotspot for pathogenic variants or a well-established critical functional domain of the PAH protein (PM1). It has a 0.0383% maximum allele frequency in non-founder control populations. Based on the current evidence, this variant is classified as pathogenic for autosomal recessive phenylketonuria.

Natera, Inc.
Classification: Pathogenic for Phenylketonuria. Last evaluated: 2025-08-25. Review status: criteria provided, single submitter. Criteria: Natera Variant Classification Schema (03/2026). Collection method: clinical testing. Allele origin: germline. Not counted in ClinVar's aggregate classification.
Comment: The c.143T>C variant in PAH is a missense variant predicted to cause substitution of leucine to serine at amino acid 48. This variant is rare in the general population with a frequency below the threshold expected for the associated phenotype(s). This variant has been observed in one or more individuals affected with the associated recessive disease, as either homozygous or compound heterozygous with a second variant (PMID: 30159852). This variant is located in a functionally critical region of the protein. Computational prediction algorithms indicate this variant is likely to affect gene or protein function. Given the available evidence, this variant is classified as Pathogenic.

Blueprint Genetics
Classification: Pathogenic for PAH-related disorders. Last evaluated: 2024-09-21. Review status: criteria provided, single submitter. Criteria: ACMG Guidelines, 2015. Collection method: clinical testing. Allele origin: germline. Affected: yes. Observed: 5 variant alleles. Not counted in ClinVar's aggregate classification.

Mayo Clinic Laboratories, Mayo Clinic
Classification: Pathogenic. Last evaluated: 2024-09-13. Review status: criteria provided, single submitter. Criteria: ACMG Guidelines, 2015. Collection method: clinical testing. Allele origin: germline. Observed: 1 variant allele. Not counted in ClinVar's aggregate classification.
Comment: PP1, PP3, PP4_moderate, PM3, PS3

Laboratory of Medical Genetics, National & Kapodistrian University of Athens
Classification: Pathogenic for Phenylketonuria. Last evaluated: 2024-02-01. Review status: criteria provided, single submitter. Criteria: ACMG Guidelines, 2015. Collection method: curation. Allele origin: germline. Affected: no. Not counted in ClinVar's aggregate classification.